The following is an entry in ClinVar:

ClinVar aggregate classification (germline): Conflicting classifications of pathogenicity. Review status: criteria provided, conflicting classifications (1 of 4 stars). 2 submissions from 2 submitters: Uncertain significance (1); Likely benign (1). Last evaluated 2025-04-10.

Conditions:
Inborn genetic diseases. Identifiers: MedGen C0950123, MeSH D030342.

gnomAD v4.1: 19 of 1,613,552 alleles (0.0012%); highest among the groups gnomAD compares: Admixed American, 0.005%; no homozygotes.

Submissions (2):

Ambry Genetics
Classification: Likely benign for Inborn genetic diseases. Last evaluated: 2025-04-10. Review status: criteria provided, single submitter. Criteria: Ambry Variant Classification Scheme 2023. Collection method: clinical testing. Allele origin: germline.

Labcorp Genetics (formerly Invitae), Labcorp
Classification: Uncertain significance. Last evaluated: 2024-03-29. Review status: criteria provided, single submitter. Criteria: Invitae Variant Classification Sherloc (09022015). Collection method: clinical testing. Allele origin: germline.
Comment: This sequence change replaces arginine, which is basic and polar, with histidine, which is basic and polar, at codon 130 of the TNFRSF9 protein (p.Arg130His). This variant is present in population databases (rs149951504, gnomAD 0.009%). This variant has not been reported in the literature in individuals affected with TNFRSF9-related conditions. Algorithms developed to predict the effect of missense changes on protein structure and function output the following: SIFT: "Not Available"; PolyPhen-2: "Benign"; Align-GVGD: "Not Available". The histidine amino acid residue is found in multiple mammalian species, which suggests that this missense change does not adversely affect protein function. In summary, the available evidence is currently insufficient to determine the role of this variant in disease. Therefore, it has been classified as a Variant of Uncertain Significance.

NM_001561.6(TNFRSF9):c.389G>A (p.Arg130His)

Gene: TNFRSF9 (TNF receptor superfamily member 9; minus strand). Cytogenetic location: 1p36.23.
Variant type: single nucleotide variant.
Coding change: c.389G>A on transcript NM_001561.6 (MANE Select); coding-DNA position 389, G replaced by A.
Protein change: p.Arg130His; replaces arginine 130 with histidine.
Molecular consequence: missense variant.
Genome position (GRCh38, 1-based): chr1:7,937,714, C>T on the plus strand (G>A on the coding strand, the complement: TNFRSF9 is on the minus strand). VCF-style: chr1-7937714-C-T. GRCh37 (hg19) VCF-style: chr1-7997774-C-T.
Other names: c.389G>A (NM_001561.5); short protein forms R130H.
Identifiers: ClinVar variation 3710557 (VCV003710557.3).